The following is an entry in ClinVar:

NM_016335.6(PRODH):c.1049A>G (p.Glu350Gly)

Gene: PRODH (proline dehydrogenase 1; minus strand). Cytogenetic location: 22q11.21.
Variant type: single nucleotide variant.
Coding change: c.1049A>G on transcript NM_016335.6 (MANE Select); coding-DNA position 1049, A replaced by G.
Protein change: p.Glu350Gly; replaces glutamic acid 350 with glycine.
Molecular consequence: missense variant.
Genome position (GRCh38, 1-based): chr22:18,919,761, T>C on the plus strand (A>G on the coding strand, the complement: PRODH is on the minus strand). VCF-style: chr22-18919761-T-C. GRCh37 (hg19) VCF-style: chr22-18907274-T-C.
Other names: c.725A>G, p.Glu242Gly (NM_001195226.2, NM_001368250.2); short protein forms E350G, E242G.
Identifiers: ClinVar variation 2818426 (VCV002818426.3), dbSNP rs2517452212, ClinGen allele CA410645231.

ClinVar aggregate classification (germline): Uncertain significance (1 of 4 stars; one submission).

Conditions:
Proline dehydrogenase deficiency (HYRPRO1). Also called: PROLINE OXIDASE DEFICIENCY; Hyperprolinemia type 1. Identifiers: Orphanet 419, MedGen C0268529, MONDO:0009400, OMIM 239500.

Submission:

Labcorp Genetics (formerly Invitae), Labcorp
Classification: Uncertain significance for Proline dehydrogenase deficiency. Last evaluated: 2023-12-09. Review status: criteria provided, single submitter. Criteria: Invitae Variant Classification Sherloc (09022015). Collection method: clinical testing. Allele origin: germline.
Comment: This sequence change replaces glutamic acid, which is acidic and polar, with glycine, which is neutral and non-polar, at codon 350 of the PRODH protein (p.Glu350Gly). This variant is not present in population databases (gnomAD no frequency). This variant has not been reported in the literature in individuals affected with PRODH-related conditions. Advanced modeling of protein sequence and biophysical properties (such as structural, functional, and spatial information, amino acid conservation, physicochemical variation, residue mobility, and thermodynamic stability) performed at Invitae indicates that this missense variant is not expected to disrupt PRODH protein function with a negative predictive value of 80%. In summary, the available evidence is currently insufficient to determine the role of this variant in disease. Therefore, it has been classified as a Variant of Uncertain Significance.